The following is an entry in ClinVar:

NM_017866.6(TMEM70):c.588C>G (p.His196Gln)

Gene: TMEM70 (transmembrane protein 70; plus strand). Cytogenetic location: 8q21.11.
Variant type: single nucleotide variant.
Coding change: c.588C>G on transcript NM_017866.6 (MANE Select); coding-DNA position 588, C replaced by G.
Protein change: p.His196Gln; replaces histidine 196 with glutamine.
Molecular consequence: missense variant. On other transcripts: 3 prime UTR variant (1), non-coding transcript variant (1).
Genome position (GRCh38, 1-based): chr8:73,981,426, C>G. VCF-style: chr8-73981426-C-G. GRCh37 (hg19) VCF-style: chr8-74893661-C-G.
Other names: p.His196Gln; c.*278C>G (NM_001040613.3); short protein forms H196Q.
Identifiers: ClinVar variation 1916186 (VCV001916186.5), dbSNP rs199726326, ClinGen allele CA4784076.

ClinVar aggregate classification (germline): Uncertain significance. Review status: criteria provided, multiple submitters, no conflicts (2 of 4 stars). 3 submissions from 3 submitters: Uncertain significance (3). Last evaluated 2024-12-11.

Conditions:
Mitochondrial complex V (ATP synthase) deficiency, nuclear type 2. Also called: Nuclear-Encoded ATPase Deficiency, TMEM70-Related; ENCEPHALOCARDIOMYOPATHY, MITOCHONDRIAL, NEONATAL, DUE TO ATP SYNTHASE DEFICIENCY; MITOCHONDRIAL COMPLEX V (ATP SYNTHASE) DEFICIENCY, TMEM70 TYPE. Identifiers: Orphanet 1194, MedGen C3279699, MONDO:0013546, OMIM 614052.
Inborn genetic diseases. Identifiers: MedGen C0950123, MeSH D030342.

Allele frequency attached by ClinVar (database versions not stated): 1000 Genomes Project 30x 0.00016; 1000 Genomes Project 0.00020.
gnomAD v4.1: 32 of 1,614,102 alleles (0.002%); highest among the groups gnomAD compares: African/African-American, 0.031%; no homozygotes.

Submissions (3):

Labcorp Genetics (formerly Invitae), Labcorp
Classification: Uncertain significance for Mitochondrial complex V (ATP synthase) deficiency, nuclear type 2. Last evaluated: 2024-12-11. Review status: criteria provided, single submitter. Criteria: Invitae Variant Classification Sherloc (09022015). Collection method: clinical testing. Allele origin: germline.
Comment: This sequence change replaces histidine, which is basic and polar, with glutamine, which is neutral and polar, at codon 196 of the TMEM70 protein (p.His196Gln). This variant is present in population databases (rs199726326, gnomAD 0.02%). This variant has not been reported in the literature in individuals affected with TMEM70-related conditions. ClinVar contains an entry for this variant (Variation ID: 1916186). Invitae Evidence Modeling of protein sequence and biophysical properties (such as structural, functional, and spatial information, amino acid conservation, physicochemical variation, residue mobility, and thermodynamic stability) indicates that this missense variant is not expected to disrupt TMEM70 protein function with a negative predictive value of 80%. In summary, the available evidence is currently insufficient to determine the role of this variant in disease. Therefore, it has been classified as a Variant of Uncertain Significance.

Mayo Clinic Laboratories, Mayo Clinic
Classification: Uncertain significance. Last evaluated: 2024-04-02. Review status: criteria provided, single submitter. Criteria: ACMG Guidelines, 2015. Collection method: clinical testing. Allele origin: germline. Observed: 1 variant allele.
Comment: BP4

Ambry Genetics
Classification: Uncertain significance for Inborn genetic diseases. Last evaluated: 2022-06-27. Review status: criteria provided, single submitter. Criteria: Ambry Variant Classification Scheme 2023. Collection method: clinical testing. Allele origin: germline.